The following is an entry in ClinVar:

ClinVar aggregate classification (germline): Uncertain significance (1 of 4 stars; one submission).

Submission:

GeneDx
Classification: Uncertain significance. Last evaluated: 2024-12-11. Review status: criteria provided, single submitter. Criteria: GeneDx Variant Classification Process June 2021. Collection method: clinical testing. Allele origin: germline. Affected: yes.
Comment: Not observed at significant frequency in large population cohorts (gnomAD); In silico analysis supports that this missense variant has a deleterious effect on protein structure/function; Has not been previously published as pathogenic or benign to our knowledge

NM_013275.6(ANKRD11):c.1904A>T (p.Lys635Ile)

Gene: ANKRD11 (ankyrin repeat domain containing 11; minus strand). Cytogenetic location: 16q24.3.
Variant type: single nucleotide variant.
Coding change: c.1904A>T on transcript NM_013275.6 (MANE Select); coding-DNA position 1904, A replaced by T.
Protein change: p.Lys635Ile; replaces lysine 635 with isoleucine.
Molecular consequence: missense variant.
Genome position (GRCh38, 1-based): chr16:89,284,638, T>A on the plus strand (A>T on the coding strand, the complement: ANKRD11 is on the minus strand). VCF-style: chr16-89284638-T-A. GRCh37 (hg19) VCF-style: chr16-89351046-T-A.
Other names: c.1904A>T, p.Lys635Ile (NM_001256182.2, NM_001256183.2); short protein forms K635I.
Identifiers: ClinVar variation 3902921 (VCV003902921.1).